The following is an entry in ClinVar:

NM_000059.4(BRCA2):c.5206C>G (p.Gln1736Glu)

Gene: BRCA2 (BRCA2 DNA repair associated; plus strand). Cytogenetic location: 13q13.1.
Variant type: single nucleotide variant.
Coding change: c.5206C>G on transcript NM_000059.4 (MANE Select); coding-DNA position 5206, C replaced by G.
Protein change: p.Gln1736Glu; replaces glutamine 1736 with glutamic acid.
Molecular consequence: missense variant.
Genome position (GRCh38, 1-based): chr13:32,339,561, C>G. VCF-style: chr13-32339561-C-G. GRCh37 (hg19) VCF-style: chr13-32913698-C-G.
Other names: short protein forms Q1736E.
Identifiers: ClinVar variation 802934 (VCV000802934.16), dbSNP rs886037802, ClinGen allele CA387784605.

ClinVar aggregate classification (germline): Conflicting classifications of pathogenicity. Review status: criteria provided, conflicting classifications (1 of 4 stars). 5 submissions from 5 submitters: Uncertain significance (4); Likely benign (1). Last evaluated 2025-09-10.

Conditions:
Hereditary cancer-predisposing syndrome. Also called: Hereditary Cancer Syndrome; Neoplastic Syndromes, Hereditary; Tumor predisposition; Hereditary neoplastic syndrome. Identifiers: Orphanet 140162, MedGen C0027672, MeSH D009386, MONDO:0015356.
Breast-ovarian cancer, familial, susceptibility to, 2 (BROVCA2). Also called: BRCA2 Hereditary Breast and Ovarian Cancer. Identifiers: Orphanet 145, MedGen C2675520, MONDO:0012933, OMIM 612555. Disease mechanism: loss of function.
Hereditary breast ovarian cancer syndrome. Also called: BRCA1- and BRCA2-Associated Hereditary Breast and Ovarian Cancer; Hereditary breast and ovarian cancer; Hereditary breast and ovarian cancer syndrome (HBOC); Hereditary breast and/or ovarian cancer syndrome; Breast and ovarian cancer; Hereditary breast and ovarian cancer syndrome. Identifiers: Orphanet 145, MedGen C0677776, MeSH D061325, MONDO:0003582. Disease mechanism: loss of function.

Allele frequency attached by ClinVar (database versions not stated): gnomAD exomes below 0.00001.
gnomAD v4.1: 1 of 1,607,926 alleles (0.000062%); highest among the groups gnomAD compares: South Asian, 0.0011%; no homozygotes.

Submissions (5):

Dasa
Classification: Uncertain significance for Breast-ovarian cancer, familial, susceptibility to, 2. Last evaluated: 2025-09-10. Review status: criteria provided, single submitter. Criteria: DASA Assertion Criteria. Collection method: clinical testing. Allele origin: germline.
Comment: NM_000059.4(BRCA2):c.5206C>G (p.Gln1736Glu) is a missense variant that results in the substitution of glutamine with glutamic acid. This variant is rare in population databases. The currently available literature and clinical evidence are not sufficient to establish a definitive association between this variant and the reported condition. Therefore, this variant is classified as a variant of uncertain significance.

Labcorp Genetics (formerly Invitae), Labcorp
Classification: Uncertain significance for Hereditary breast ovarian cancer syndrome. Last evaluated: 2023-08-02. Review status: criteria provided, single submitter. Criteria: Invitae Variant Classification Sherloc (09022015). Collection method: clinical testing. Allele origin: germline.
Comment: This variant has not been reported in the literature in individuals affected with BRCA2-related conditions. This sequence change replaces glutamine, which is neutral and polar, with glutamic acid, which is acidic and polar, at codon 1736 of the BRCA2 protein (p.Gln1736Glu). This variant is not present in population databases (gnomAD no frequency). ClinVar contains an entry for this variant (Variation ID: 802934). Advanced modeling of protein sequence and biophysical properties (such as structural, functional, and spatial information, amino acid conservation, physicochemical variation, residue mobility, and thermodynamic stability) performed at Invitae indicates that this missense variant is not expected to disrupt BRCA2 protein function. In summary, the available evidence is currently insufficient to determine the role of this variant in disease. Therefore, it has been classified as a Variant of Uncertain Significance.

University of Washington Department of Laboratory Medicine, University of Washington
Classification: Likely benign for Hereditary cancer-predisposing syndrome. Last evaluated: 2023-03-23. Review status: criteria provided, single submitter. Criteria: Dines et al. (Genet Med. 2020). Collection method: curation. Allele origin: germline.
Comment: Missense variant in a coldspot region where missense variants are very unlikely to be pathogenic (PMID:31911673).

BRCA2 exon 11 coldspot. Reclassification based on statistical prior probability.

Ambry Genetics
Classification: Uncertain significance for Hereditary cancer-predisposing syndrome. Last evaluated: 2022-10-06. Review status: criteria provided, single submitter. Criteria: Ambry Variant Classification Scheme 2023. Collection method: clinical testing. Allele origin: germline.
Comment: The p.Q1736E variant (also known as c.5206C>G), located in coding exon 10 of the BRCA2 gene, results from a C to G substitution at nucleotide position 5206. The glutamine at codon 1736 is replaced by glutamic acid, an amino acid with highly similar properties. This amino acid position is not well conserved in available vertebrate species. In addition, this alteration is predicted to be tolerated by in silico analysis. Since supporting evidence is limited at this time, the clinical significance of this alteration remains unclear.

Mendelics
Classification: Uncertain significance for Breast-ovarian cancer, familial, susceptibility to, 2. Last evaluated: 2019-05-28. Review status: criteria provided, single submitter. Criteria: Mendelics Assertion Criteria 2017. Collection method: clinical testing. Allele origin: unknown.